The following is an entry in ClinVar:

NM_002715.4(PPP2CA):c.667G>C (p.Asp223His)

Gene: PPP2CA (protein phosphatase 2 catalytic subunit alpha; minus strand). Cytogenetic location: 5q31.1.
Variant type: single nucleotide variant.
Coding change: c.667G>C on transcript NM_002715.4 (MANE Select); coding-DNA position 667, G replaced by C.
Protein change: p.Asp223His; replaces aspartic acid 223 with histidine.
Molecular consequence: missense variant. On other transcripts: non-coding transcript variant (1).
Genome position (GRCh38, 1-based): chr5:134,200,406, C>G on the plus strand (G>C on the coding strand, the complement: PPP2CA is on the minus strand). VCF-style: chr5-134200406-C-G. GRCh37 (hg19) VCF-style: chr5-133536097-C-G.
Other names: c.472G>C, p.Asp158His (NM_001355019.2); short protein forms D158H, D223H.
Identifiers: ClinVar variation 692145 (VCV000692145.8), dbSNP rs1580636668, ClinGen allele CA360999091.

ClinVar aggregate classification (germline): Pathogenic/Likely pathogenic. Review status: criteria provided, multiple submitters, no conflicts (2 of 4 stars). 3 submissions from 3 submitters: Pathogenic (1); Likely pathogenic (1). 1 of the submissions does not count toward it. Last evaluated 2022-04-07.

Conditions:
Houge-Janssens syndrome 3. Also called: NEURODEVELOPMENTAL DISORDER AND LANGUAGE DELAY WITH OR WITHOUT STRUCTURAL BRAIN ABNORMALITIES. Identifiers: MedGen C5193048, MONDO:0032697, OMIM 618354.

Submissions (3):

Labcorp Genetics (formerly Invitae), Labcorp
Classification: Pathogenic. Last evaluated: 2022-04-07. Review status: criteria provided, single submitter. Criteria: Invitae Variant Classification Sherloc (09022015). Collection method: clinical testing. Allele origin: germline.
Comment: For these reasons, this variant has been classified as Pathogenic. Experimental studies have shown that this missense change affects PPP2CA function (PMID: 30595372). Algorithms developed to predict the effect of missense changes on protein structure and function (SIFT, PolyPhen-2, Align-GVGD) all suggest that this variant is likely to be disruptive. ClinVar contains an entry for this variant (Variation ID: 692145). This missense change has been observed in individual(s) with clinical features of PPP2CA-related conditions (PMID: 30595372). In at least one individual the variant was observed to be de novo. This variant is not present in population databases (gnomAD no frequency). This sequence change replaces aspartic acid, which is acidic and polar, with histidine, which is basic and polar, at codon 223 of the PPP2CA protein (p.Asp223His).

SIB Swiss Institute of Bioinformatics
Classification: Likely pathogenic for Houge-Janssens syndrome 3. Last evaluated: 2019-07-15. Review status: criteria provided, single submitter. Criteria: ACMG Guidelines, 2015. Collection method: curation. Allele origin: unknown.
Comment: This variant is interpreted as a Likely pathogenic for Neurodevelopmental disorder and language delay with or without structural brain abnormalities, autosomal dominant. The following ACMG Tag(s) were applied: PM2, PM6, PS3-Moderate.

Pediatric Genetics Clinic, Sheba Medical Center
Classification: Pathogenic for Houge-Janssens syndrome 3. Last evaluated: 2021-05-13. Review status: no assertion criteria provided. Collection method: clinical testing. Allele origin: de novo. Affected: yes. Observed: 1 heterozygote. Not counted in ClinVar's aggregate classification.

Literature cited by the submitters: PubMed 30595372 (cited by Labcorp Genetics (formerly Invitae), Labcorp and SIB Swiss Institute of Bioinformatics).